The following is an entry in ClinVar:

ClinVar aggregate classification (germline): Uncertain significance (1 of 4 stars; one submission).

gnomAD v4.1: 1 of 1,601,932 alleles (0.000062%); highest among the groups gnomAD compares: South Asian, 0.0011%; no homozygotes.

Submission:

GeneDx
Classification: Uncertain significance. Last evaluated: 2024-09-15. Review status: criteria provided, single submitter. Criteria: GeneDx Variant Classification Process June 2021. Collection method: clinical testing. Allele origin: germline. Affected: yes.
Comment: Not observed at significant frequency in large population cohorts (gnomAD); In silico analysis indicates that this missense variant does not alter protein structure/function; Has not been previously published as pathogenic or benign to our knowledge

NM_000719.7(CACNA1C):c.1476G>T (p.Arg492Ser)

Gene: CACNA1C (calcium voltage-gated channel subunit alpha1 C; plus strand). Cytogenetic location: 12p13.33.
Variant type: single nucleotide variant.
Coding change: c.1476G>T on transcript NM_000719.7 (MANE Select); coding-DNA position 1476, G replaced by T.
Protein change: p.Arg492Ser; replaces arginine 492 with serine.
Molecular consequence: missense variant.
Genome position (GRCh38, 1-based): chr12:2,550,028, G>T. VCF-style: chr12-2550028-G-T. GRCh37 (hg19) VCF-style: chr12-2659194-G-T.
Other names: c.1476G>T, p.Arg492Ser (NM_001129827.2, NM_001129829.2, NM_001129830.3 and 18 more transcripts); c.1467G>T, p.Arg489Ser (NM_001129844.2); short protein forms R489S, R492S.
Identifiers: ClinVar variation 3770107 (VCV003770107.1).